The following is an entry in ClinVar:

NM_001363066.2(CLDN5):c.178G>A (p.Gly60Arg)

Gene: CLDN5 (claudin 5; minus strand). Cytogenetic location: 22q11.21.
Variant type: single nucleotide variant.
Coding change: c.178G>A on transcript NM_001363066.2 (MANE Select); coding-DNA position 178, G replaced by A.
Protein change: p.Gly60Arg; replaces glycine 60 with arginine.
Molecular consequence: missense variant.
Genome position (GRCh38, 1-based): chr22:19,524,078, C>T on the plus strand (G>A on the coding strand, the complement: CLDN5 is on the minus strand). VCF-style: chr22-19524078-C-T. GRCh37 (hg19) VCF-style: chr22-19511601-C-T.
Other names: c.433G>A, p.Gly145Arg (NM_001130861.1, NM_001363067.2, NM_003277.4); short protein forms G145R, G60R.
Identifiers: ClinVar variation 2628323 (VCV002628323.4), dbSNP rs2517704673, ClinGen allele CA410673393.

ClinVar aggregate classification (germline): Pathogenic. Review status: criteria provided, multiple submitters, no conflicts (2 of 4 stars). 3 submissions from 3 submitters: Pathogenic (3). Last evaluated 2025-07-09.

Conditions:
Inborn genetic diseases. Identifiers: MedGen C0950123, MeSH D030342.
CLDN5-related neurodevelopmental disorder.
Syndromic disease. Identifiers: MedGen C0039082, MONDO:0002254.

Submissions (3):

Victorian Clinical Genetics Services, Murdoch Childrens Research Institute
Classification: Pathogenic for Syndromic disease. Last evaluated: 2025-07-09. Review status: criteria provided, single submitter. Criteria: ACMG Guidelines, 2015. Collection method: clinical testing. Allele origin: germline. Affected: yes.
Comment: This variant is classified as Pathogenic. Evidence in support of pathogenic classification: Variant is absent from gnomAD (v2, v3 and v4); This variant has strong previous evidence of pathogenicity in unrelated individuals. This variant has been classified as pathogenic by a clinical laboratory in ClinVar. This variant and an alternative nucleotide change with the same consequence has been reported as de novo in at least five individuals with CLDN5-related syndromic disease (PMIDs: 35714222, 36477332); Missense variant predicted to be damaging by in silico tool(s) or highly conserved with a major amino acid change; Additional information: Variant is predicted to result in a missense amino acid change from glycine to arginine; This variant is heterozygous; This gene is associated with autosomal dominant disease; Alternative amino acid change(s) at the same position are present in gnomAD (highest allele count: v4: 1 heterozygote(s), 0 homozygote(s)); Variant is located in the annotated PMP22 claudin domain (DECIPHER); Gain of function is a suggested mechanism of disease in this gene and is associated with syndromic disease (MONDO:0002254), CLDN5-related. Over-expression of patient CLDN5 missense variants in a zebrafish model disrupts embryogenesis and impairs tight junction formation (PMID: 36477332). Additionally, transfected cell lines with the c.178G>A variant showed higher chloride ion permeability and lower sodium ion permeability when compared to wildtype, indicating anion-selective permeability (PMID: 35714222).

Ambry Genetics
Classification: Pathogenic for Inborn genetic diseases. Last evaluated: 2025-05-08. Review status: criteria provided, single submitter. Criteria: Ambry Variant Classification Scheme 2023. Collection method: clinical testing. Allele origin: germline.
Comment: The c.433G>A (p.G145R) alteration is located in coding exon 1 of the CLDN5 gene. This alteration results from a G to A substitution at nucleotide position 433, causing the glycine (G) at amino acid position 145 to be replaced by an arginine (R). This variant was not reported in population-based cohorts in the Genome Aggregation Database (gnomAD). This variant, referred to as c.178G>A (p.G60R), was detected as a de novo finding in multiple individuals with seizures, microcephaly, brain calcifications, hemiplegia, and severe developmental delay/intellectual disabilities (Hashimoto, 2022; Deshwar, 2023). This amino acid position is highly conserved in available vertebrate species. This missense alteration is located in a region that has a low rate of benign missense variation (Lek, 2016; Firth, 2009). One functional study showed that this variant, referred to as c.178G>A (p.G60R), had a decreased flux of small molecular weight molecules through tight junctions (Hashimoto, 2022). This alteration is predicted to be deleterious by in silico analysis. Based on the available evidence, this alteration is classified as pathogenic.

Department of Pediatrics, The Affiliated Hospital of Qingdao University
Classification: Pathogenic for CLDN5-related neurodevelopmental disorder. Last evaluated: 2023-10-10. Review status: criteria provided, single submitter. Criteria: ACMG Guidelines, 2015. Collection method: clinical testing. Allele origin: de novo. Affected: yes.

Literature cited by the submitters: PubMed 36477332 (cited by Victorian Clinical Genetics Services, Murdoch Childrens Research Institute and Ambry Genetics); PubMed 35714222 (cited by Victorian Clinical Genetics Services, Murdoch Childrens Research Institute and Ambry Genetics).